The following is an entry in ClinVar:

NM_000277.3(PAH):c.442-5C>G

Gene: PAH (phenylalanine hydroxylase; minus strand). Cytogenetic location: 12q23.2.
Variant type: single nucleotide variant.
Coding change: c.442-5C>G on transcript NM_000277.3 (MANE Select); 5 bases into the intron before coding-DNA position 442, C replaced by G.
Molecular consequence: intron variant.
Genome position (GRCh38, 1-based): chr12:102,866,668, G>C on the plus strand (C>G on the coding strand, the complement: PAH is on the minus strand). VCF-style: chr12-102866668-G-C. GRCh37 (hg19) VCF-style: chr12-103260446-G-C.
Other names: c.442-5C>G (NM_001354304.2, NM_000277.2).
Identifiers: ClinVar variation 102677 (VCV000102677.36), dbSNP rs62514909, ClinGen allele CA286504.
Genomic context (GRCh38, chr12:102,866,668, plus strand): 5'-TAGGCAATGTCAGCAAACTGCTTCCGTCTTGCACGGTACACAGGATCTTTAAAACCCTAG[G>C]AGAAAAGAGACACCTGATTTTTCAAGGCTTCATAGGAAGAGGTCTGGTACCTTTATGAAT-3'

ClinVar aggregate classification (germline): Pathogenic/Likely pathogenic. Review status: criteria provided, multiple submitters, no conflicts (2 of 4 stars). 12 submissions from 12 submitters: Pathogenic (8); Likely pathogenic (2). 2 of the submissions do not count toward it. Last evaluated 2026-01-01.

Conditions:
PAH-related disorder. Also called: PAH-related condition.
Phenylketonuria (PKU). Also called: FOLLING DISEASE; Phenylketonurias; OLIGOPHRENIA PHENYLPYRUVICA; Phenylketonuria (PKU). Identifiers: Orphanet 716, MedGen C0031485, MONDO:0009861, OMIM 261600. Disease mechanism: loss of function.
6-Pyruvoyl-tetrahydrobiopterin synthase deficiency. Also called: BH4-deficient hyperphenylalaninemia A; HYPERPHENYLALANINEMIA, TETRAHYDROBIOPTERIN-DEFICIENT, DUE TO PTS DEFICIENCY; PTS DEFICIENCY; PTS-Related Tetrahydrobiopterin Deficiency; 6-Pyruvoyltetrahydropterin Synthase Deficiency; Hyperphenylalanemia, BH4-deficient, A. Identifiers: Orphanet 13, Orphanet 238583, MedGen C0878676, MONDO:0009863, OMIM 261640.

Allele frequency attached by ClinVar (database versions not stated): ExAC 0.00001; gnomAD 0.00001; gnomAD exomes 0.00001 and 0.00003; TOPMed 0.00002; ESP Exome Variant Server 0.00008.
gnomAD v4.1: 22 of 1,612,698 alleles (0.0014%); highest among the groups gnomAD compares: Middle Eastern, 0.016%; no homozygotes.

Submissions (12):

CeGaT Center for Human Genetics Tuebingen
Classification: Likely pathogenic. Last evaluated: 2026-01-01. Review status: criteria provided, single submitter. Criteria: CeGaT Center For Human Genetics Tuebingen Variant Classification Criteria Version 2. Collection method: clinical testing. Allele origin: germline. Affected: yes. Observed: 2 variant alleles.
Comment: PAH: PM3:Very Strong, PM2, BP4

Labcorp Genetics (formerly Invitae), Labcorp
Classification: Pathogenic for Phenylketonuria. Last evaluated: 2025-08-09. Review status: criteria provided, single submitter. Criteria: Invitae Variant Classification Sherloc (09022015). Collection method: clinical testing. Allele origin: germline.
Comment: This sequence change falls in intron 4 of the PAH gene. It does not directly change the encoded amino acid sequence of the PAH protein. This variant is present in population databases (rs62514909, gnomAD 0.005%). This variant has been observed in individual(s) with hyperphenylalaninemia and/or mild PKU (PMID: 23792259, 26666653; internal data). In at least one individual the data is consistent with being in trans (on the opposite chromosome) from a pathogenic variant. ClinVar contains an entry for this variant (Variation ID: 102677). Algorithms developed to predict the effect of sequence changes on RNA splicing suggest that this variant is not likely to affect RNA splicing. For these reasons, this variant has been classified as Pathogenic.

Natera, Inc.
Classification: Pathogenic for Phenylketonuria. Last evaluated: 2025-06-29. Review status: criteria provided, single submitter. Criteria: Natera Variant Classification Schema (03/2026). Collection method: clinical testing. Allele origin: germline.
Comment: The c.442-5C>G variant in PAH is an intronic variant located outside the canonical splice sites. This variant is rare in the general population with a frequency below the threshold expected for the associated phenotype(s). This variant has been observed in one or more individuals affected with the associated recessive disease, as either homozygous or compound heterozygous with a second variant (PMID: 12501224, 22917871, 16198137). Additionally, this variant has been observed to segregate in affected family members (PMID: 22917871). Computational prediction algorithms indicate this variant is likely to affect gene or protein function. Given the available evidence, this variant is classified as Pathogenic.

Dasa
Classification: Pathogenic. Last evaluated: 2025-06-08. Review status: criteria provided, single submitter. Criteria: DASA Assertion Criteria. Collection method: clinical testing. Allele origin: germline.
Comment: NM_000277.3(PAH):c.442-5C>G is a splice-region variant predicted to affect normal RNA splicing. This variant results in the same amino acid change as a previously established pathogenic variant. This variant has been observed in affected individuals with related phenotype in a genotype context consistent with recessive disease (PMID: 26666653). This variant has been reported in individuals with related phenotype (PMID: 26666653). The variant is present at low frequency in population datasets. Based on the available data, this variant is classified as pathogenic.

Blueprint Genetics
Classification: Pathogenic for PAH-related disorders. Last evaluated: 2024-11-20. Review status: criteria provided, single submitter. Criteria: ACMG Guidelines, 2015. Collection method: clinical testing. Allele origin: germline. Affected: yes. Observed: 5 variant alleles.

Greenwood Genetic Center Diagnostic Laboratories, Greenwood Genetic Center
Classification: Pathogenic for Phenylketonuria. Last evaluated: 2024-05-15. Review status: criteria provided, single submitter. Criteria: ACMG Guidelines, 2015. Collection method: clinical testing. Allele origin: germline. Affected: yes.
Comment: PS3_Moderate, PM2, PM3_Very Strong

Laboratory of Medical Genetics, National & Kapodistrian University of Athens
Classification: Pathogenic for Phenylketonuria. Last evaluated: 2024-02-01. Review status: criteria provided, single submitter. Criteria: ACMG Guidelines, 2015. Collection method: curation. Allele origin: germline. Affected: no.

Women's Health and Genetics/Laboratory Corporation of America, LabCorp
Classification: Pathogenic for 6-Pyruvoyl-tetrahydrobiopterin synthase deficiency. Last evaluated: 2023-03-17. Review status: criteria provided, single submitter. Criteria: LabCorp Variant Classification Summary - May 2015. Collection method: clinical testing. Allele origin: germline.
Comment: Variant summary: PAH c.442-5C>G alters a conserved nucleotide located close to a canonical splice site and therefore could affect mRNA splicing, leading to a significantly altered protein sequence. 4/4 computational tools predict no significant impact on normal splicing. However, these predictions have yet to be confirmed by functional studies. The variant allele was found at a frequency of 2.8e-05 in 251212 control chromosomes (gnomAD). c.442-5C>G has been reported in the literature in multiple compound heterozygous individuals affected with Hyperphenylalaninemia and phenylketonuria (e.g. Tansek_2012, Sarkissian_2012, and Trunzo_2013) and at least one homozygous individual (Fiori_2005). These data indicate that the variant is very likely to be associated with disease. Four clinical diagnostic laboratories have submitted clinical-significance assessments for this variant to ClinVar after 2014 and all classified the variant as pathogenic/likely pathogenic. Based on the evidence outlined above, the variant was classified as pathogenic.

Fulgent Genetics
Classification: Likely pathogenic for Phenylketonuria. Last evaluated: 2022-03-24. Review status: criteria provided, single submitter. Criteria: ACMG Guidelines, 2015. Collection method: clinical testing. Allele origin: unknown.

Eurofins Ntd Llc (ga)
Classification: Pathogenic. Last evaluated: 2016-11-23. Review status: criteria provided, single submitter. Criteria: EGL Classification Definitions 2015. Collection method: clinical testing. Allele origin: germline. Observed: 2 variant alleles, 2 heterozygotes.

Counsyl
Classification: Likely pathogenic for Phenylketonuria. Last evaluated: 2018-03-20. Review status: no assertion criteria provided. Collection method: clinical testing. Allele origin: unknown. Not counted in ClinVar's aggregate classification.

DeBelle Laboratory for Biochemical Genetics, MUHC/MCH RESEARCH INSTITUTE
No classification provided. Review status: no classification provided. Collection method: not provided. Allele origin: not provided. Not counted in ClinVar's aggregate classification.

Literature cited by the submitters: PubMed 23792259 (cited by Labcorp Genetics (formerly Invitae), Labcorp and Women's Health and Genetics/Laboratory Corporation of America, LabCorp); PubMed 26666653 (cited by 4 submitters); PubMed 12501224 (cited by Natera, Inc. and Counsyl); PubMed 22917871 (cited by Natera, Inc. and Women's Health and Genetics/Laboratory Corporation of America, LabCorp); PubMed 16198137 (cited by 3 submitters); PubMed 23430918 (cited by Women's Health and Genetics/Laboratory Corporation of America, LabCorp and Counsyl); PubMed 16290003 (cited by Counsyl); PubMed 27121329 (cited by Counsyl); PubMed 23690520 (cited by Counsyl); PubMed 18299955 (cited by Counsyl); PubMed 21147011 (cited by Counsyl).